The following is an entry in ClinVar:

NM_004519.4(KCNQ3):c.2509G>T (p.Glu837Ter)

Gene: KCNQ3 (potassium voltage-gated channel subfamily Q member 3; minus strand). Cytogenetic location: 8q24.22.
Variant type: single nucleotide variant.
Coding change: c.2509G>T on transcript NM_004519.4 (MANE Select); coding-DNA position 2509, G replaced by T.
Protein change: p.Glu837Ter; replaces glutamic acid 837 with a stop codon.
Molecular consequence: nonsense.
Genome position (GRCh38, 1-based): chr8:132,129,372, C>A on the plus strand (G>T on the coding strand, the complement: KCNQ3 is on the minus strand). VCF-style: chr8-132129372-C-A. GRCh37 (hg19) VCF-style: chr8-133141619-C-A.
Other names: c.2149G>T, p.Glu717Ter (NM_001204824.2); short protein forms E837*, E717*.
Identifiers: ClinVar variation 1393692 (VCV001393692.6), dbSNP rs2130922639, ClinGen allele CA372215687.

ClinVar aggregate classification (germline): Uncertain significance (1 of 4 stars; one submission).

Conditions:
Benign neonatal seizures. Also called: Benign neonatal familial convulsions; Benign familial neonatal epilepsy; Convulsions benign familial neonatal dominant form; Autosomal dominant form of benign neonatal seizures; Benign familial neonatal seizures. Identifiers: Orphanet 1949, MedGen C0220669, MONDO:0016027.

Submission:

Labcorp Genetics (formerly Invitae), Labcorp
Classification: Uncertain significance for Benign neonatal seizures. Last evaluated: 2022-01-03. Review status: criteria provided, single submitter. Criteria: Invitae Variant Classification Sherloc (09022015). Collection method: clinical testing. Allele origin: germline.
Comment: In summary, the available evidence is currently insufficient to determine the role of this variant in disease. Therefore, it has been classified as a Variant of Uncertain Significance. This variant has not been reported in the literature in individuals affected with KCNQ3-related conditions. This variant is not present in population databases (gnomAD no frequency). This sequence change creates a premature translational stop signal (p.Glu837*) in the KCNQ3 gene. While this is not anticipated to result in nonsense mediated decay, it is expected to disrupt the last 36 amino acid(s) of the KCNQ3 protein.